The following is an entry in ClinVar:

NM_001386298.1(CIC):c.5048C>T (p.Ala1683Val)

Gene: CIC (capicua transcriptional repressor; plus strand). Cytogenetic location: 19q13.2.
Variant type: single nucleotide variant.
Coding change: c.5048C>T on transcript NM_001386298.1 (MANE Select); coding-DNA position 5048, C replaced by T.
Protein change: p.Ala1683Val; replaces alanine 1683 with valine.
Molecular consequence: missense variant.
Genome position (GRCh38, 1-based): chr19:42,291,089, C>T. VCF-style: chr19-42291089-C-T. GRCh37 (hg19) VCF-style: chr19-42795241-C-T.
Other names: c.5048C>T, p.Ala1683Val (NM_001304815.2, NM_001379480.1, NM_001379482.1); c.2321C>T, p.Ala774Val (NM_001379484.1, NM_001379485.1, NM_015125.5); short protein forms A1683V, A774V.
Identifiers: ClinVar variation 1176080 (VCV001176080.36), dbSNP rs574832764, ClinGen allele CA9472237.

ClinVar aggregate classification (germline): Likely benign. Review status: criteria provided, multiple submitters, no conflicts (2 of 4 stars). 2 submissions from 2 submitters: Likely benign (2). Last evaluated 2025-02-16.

Allele frequency attached by ClinVar (database versions not stated): gnomAD 0.00002 and 0.00003; TOPMed 0.00004; gnomAD exomes 0.00007; ExAC 0.00010; 1000 Genomes Project 30x 0.00016; 1000 Genomes Project 0.00020.
gnomAD v4.1: 103 of 1,613,618 alleles (0.0064%); highest among the groups gnomAD compares: South Asian, 0.013%; no homozygotes.

Submissions (2):

Laboratory of Genetics, Children's Clinical University Hospital Latvia
Classification: Likely benign. Last evaluated: 2025-02-16. Review status: criteria provided, single submitter. Criteria: ACMG Guidelines, 2015. Collection method: clinical testing. Allele origin: germline. Affected: yes.

CeGaT Center for Human Genetics Tuebingen
Classification: Likely benign. Last evaluated: 2022-09-01. Review status: criteria provided, single submitter. Criteria: CeGaT Center For Human Genetics Tuebingen Variant Classification Criteria Version 2. Collection method: clinical testing. Allele origin: germline. Affected: yes. Observed: 3 variant alleles.
Comment: CIC: BP4